The following is an entry in ClinVar:

ClinVar aggregate classification (germline): Uncertain significance (1 of 4 stars; one submission).

Conditions:
Deficiency of adenosine deaminase 2. Also called: Polyarteritis nodosa, childhoood-onset; Adenosine Deaminase 2 Deficiency; VASCULITIS, AUTOINFLAMMATION, IMMUNODEFICIENCY, AND HEMATOLOGIC DEFECTS SYNDROME. Identifiers: Orphanet 404553, MedGen C3887654, MONDO:0014306, OMIM 615688, MONDO:0100317.

Submission:

Labcorp Genetics (formerly Invitae), Labcorp
Classification: Uncertain significance for Deficiency of adenosine deaminase 2. Last evaluated: 2021-12-09. Review status: criteria provided, single submitter. Criteria: Invitae Variant Classification Sherloc (09022015). Collection method: clinical testing. Allele origin: germline.
Comment: In summary, the available evidence is currently insufficient to determine the role of this variant in disease. Therefore, it has been classified as a Variant of Uncertain Significance. This sequence change replaces isoleucine, which is neutral and non-polar, with lysine, which is basic and polar, at codon 438 of the ADA2 protein (p.Ile438Lys). Information on the frequency of this variant in the gnomAD database is not available, as this variant may be reported differently in the database. This variant has not been reported in the literature in individuals affected with ADA2-related conditions. Algorithms developed to predict the effect of missense changes on protein structure and function are either unavailable or do not agree on the potential impact of this missense change (SIFT: "Not Available"; PolyPhen-2: "Probably Damaging"; Align-GVGD: "Not Available").

NM_001282225.2(ADA2):c.1313_1314delinsAG (p.Ile438Lys)

Gene: ADA2 (adenosine deaminase 2; minus strand). Cytogenetic location: 22q11.1.
Variant type: Indel.
Coding change: c.1313_1314delinsAG on transcript NM_001282225.2 (MANE Select); coding-DNA positions 1313 to 1314, TC replaced by AG.
Protein change: p.Ile438Lys; replaces isoleucine 438 with lysine.
Molecular consequence: missense variant.
Genome position (GRCh38, 1-based): chr22:17,181,948-17,181,949, GA replaced by CT on the plus strand (TC replaced by AG on the coding strand, the reverse complement: ADA2 is on the minus strand). VCF-style: chr22-17181948-GA-CT. GRCh37 (hg19) VCF-style: chr22-17662838-GA-CT.
Other names: c.1313_1314delinsAG, p.Ile438Lys (NM_001282226.2); c.1187_1188delinsAG, p.Ile396Lys (NM_001282227.2, NM_001282228.2); c.953_954delinsAG, p.Ile318Lys (NM_001282229.2); c.590_591delinsAG, p.Ile197Lys (NM_177405.3); short protein forms I197K, I318K, I396K, I438K.
Identifiers: ClinVar variation 2419957 (VCV002419957.8), dbSNP rs2517276454, ClinGen allele CA2580099066.